The following is an entry in ClinVar:

NM_002485.5(NBN):c.1404G>T (p.Arg468Ser)

Gene: NBN (nibrin; minus strand). Cytogenetic location: 8q21.3.
Variant type: single nucleotide variant.
Coding change: c.1404G>T on transcript NM_002485.5 (MANE Select); coding-DNA position 1404, G replaced by T.
Protein change: p.Arg468Ser; replaces arginine 468 with serine.
Molecular consequence: missense variant.
Genome position (GRCh38, 1-based): chr8:89,953,685, C>A on the plus strand (G>T on the coding strand, the complement: NBN is on the minus strand). VCF-style: chr8-89953685-C-A. GRCh37 (hg19) VCF-style: chr8-90965913-C-A.
Other names: p.R468S:AGG>AGT; c.1158G>T, p.Arg386Ser (NM_001024688.3); short protein forms R468S, R386S.
Identifiers: ClinVar variation 182722 (VCV000182722.26), dbSNP rs730881851, ClinGen allele CA299615.

ClinVar aggregate classification (germline): Uncertain significance. Review status: criteria provided, multiple submitters, no conflicts (2 of 4 stars). 7 submissions from 7 submitters: Uncertain significance (6). 1 of the submissions does not count toward it. Last evaluated 2025-11-10.

Conditions:
Hereditary cancer-predisposing syndrome. Also called: Tumor predisposition; Hereditary Cancer Syndrome; Hereditary neoplastic syndrome; Neoplastic Syndromes, Hereditary. Identifiers: Orphanet 140162, MedGen C0027672, MeSH D009386, MONDO:0015356.
Aplastic anemia. Identifiers: Orphanet 182040, Orphanet 88, MedGen C0002874, MONDO:0015909, OMIM 609135, HP:0001915.
Microcephaly, normal intelligence and immunodeficiency (NBS). Also called: IMMUNODEFICIENCY, MICROCEPHALY, AND CHROMOSOMAL INSTABILITY; SEEMANOVA SYNDROME II; Nijmegen breakage syndrome; Microcephaly with normal intelligence immunodeficiency and lymphoreticular malignancies; Nonsyndromal microcephaly autosomal recessive with normal intelligence; Seemanova syndrome 2. Identifiers: Orphanet 647, MedGen C0398791, MONDO:0009623, OMIM 251260.

Allele frequency attached by ClinVar (database versions not stated): TOPMed below 0.00001; gnomAD 0.00001.
gnomAD v4.1: 14 of 1,608,526 alleles (0.00087%); highest among the groups gnomAD compares: Non-Finnish European, 0.0012%; no homozygotes.

Submissions (7):

Labcorp Genetics (formerly Invitae), Labcorp
Classification: Uncertain significance for Microcephaly, normal intelligence and immunodeficiency. Last evaluated: 2025-11-10. Review status: criteria provided, single submitter. Criteria: Invitae Variant Classification Sherloc (09022015). Collection method: clinical testing. Allele origin: germline.
Comment: This sequence change replaces arginine, which is basic and polar, with serine, which is neutral and polar, at codon 468 of the NBN protein (p.Arg468Ser). This variant is not present in population databases (gnomAD no frequency). This variant has not been reported in the literature in individuals affected with NBN-related conditions. ClinVar contains an entry for this variant (Variation ID: 182722). An algorithm developed to predict the effect of missense changes on protein structure and function (PolyPhen-2) suggests that this variant is likely to be disruptive. In summary, the available evidence is currently insufficient to determine the role of this variant in disease. Therefore, it has been classified as a Variant of Uncertain Significance.

Ambry Genetics
Classification: Uncertain significance for Hereditary cancer-predisposing syndrome. Last evaluated: 2025-08-07. Review status: criteria provided, single submitter. Criteria: Ambry Variant Classification Scheme 2023. Collection method: clinical testing. Allele origin: germline.
Comment: The p.R468S variant (also known as c.1404G>T), located in coding exon 11 of the NBN gene, results from a G to T substitution at nucleotide position 1404. The arginine at codon 468 is replaced by serine, an amino acid with dissimilar properties. This amino acid position is highly conserved in available vertebrate species. In addition, this alteration is predicted to be tolerated by in silico analysis. Since supporting evidence is limited at this time, the clinical significance of this alteration remains unclear.

Baylor Genetics
Classification: Uncertain significance for Aplastic anemia. Last evaluated: 2023-10-30. Review status: criteria provided, single submitter. Criteria: ACMG Guidelines, 2015. Collection method: clinical testing. Allele origin: unknown.

Genome-Nilou Lab
Classification: Uncertain significance for Microcephaly, normal intelligence and immunodeficiency. Last evaluated: 2021-11-07. Review status: criteria provided, single submitter. Criteria: ACMG Guidelines, 2015. Collection method: clinical testing. Allele origin: germline. Affected: no.

GeneDx
Classification: Uncertain significance. Last evaluated: 2019-07-12. Review status: criteria provided, single submitter. Criteria: GeneDx Variant Classification Process June 2021. Collection method: clinical testing. Allele origin: germline. Affected: yes.
Comment: Not observed in large population cohorts (Lek et al., 2016); In silico analysis, which includes protein predictors and evolutionary conservation, supports that this variant does not alter protein structure/function; Has not been previously published as pathogenic or benign to our knowledge

Quest Diagnostics Nichols Institute San Juan Capistrano
Classification: Uncertain significance. Last evaluated: 2018-11-23. Review status: criteria provided, single submitter. Criteria: Quest Diagnostics criteria. Collection method: clinical testing. Allele origin: germline.

Natera, Inc.
Classification: Uncertain significance for Nijmegen breakage syndrome. Last evaluated: 2020-10-15. Review status: no assertion criteria provided. Collection method: clinical testing. Allele origin: germline. Not counted in ClinVar's aggregate classification.